The following is an entry in ClinVar:

ClinVar aggregate classification (germline): Uncertain significance (1 of 4 stars; one submission).

Conditions:
CRIPTO-related disorder. Also called: CRIPTO-related condition.

gnomAD v4.1: 3 of 1,614,262 alleles (0.00019%); highest among the groups gnomAD compares: Non-Finnish European, 0.00025%; no homozygotes.

Submission:

PreventionGenetics, part of Exact Sciences
Classification: Uncertain significance for CRIPTO-related condition. Last evaluated: 2026-08-07. Review status: criteria provided, single submitter. Criteria: ACMG Guidelines, 2015. Collection method: clinical testing. Allele origin: germline.
Comment: The CRIPTO c.14A>G variant is predicted to result in the amino acid substitution p.Lys5Arg. To our knowledge, this variant has not been reported in the literature or in a large population database (gnomAD), indicating this variant is rare. At this time, the clinical significance of this variant is uncertain due to the absence of conclusive functional and genetic evidence.

NM_003212.4(CRIPTO):c.14A>G (p.Lys5Arg)

Gene: CRIPTO (cripto, EGF-CFC family member; plus strand). Cytogenetic location: 3p21.31.
Variant type: single nucleotide variant.
Coding change: c.14A>G on transcript NM_003212.4 (MANE Select); coding-DNA position 14, A replaced by G.
Protein change: p.Lys5Arg; replaces lysine 5 with arginine.
Molecular consequence: missense variant. On other transcripts: intron variant (1).
Genome position (GRCh38, 1-based): chr3:46,577,983, A>G. VCF-style: chr3-46577983-A-G. GRCh37 (hg19) VCF-style: chr3-46619473-A-G.
Other names: c.-13-1112A>G (NM_001174136.2); short protein forms K5R.
Identifiers: ClinVar variation 4991853 (VCV004991853.1).